The following is an entry in ClinVar:

NM_001369.3(DNAH5):c.2568_2569delinsCAGATGTGTATAAGAGACAGT (p.Gln856_Met857delinsHisArgCysValTer)

Genes: DNAH5-AS1 (DNAH5 antisense RNA 1; plus strand), DNAH5 (dynein axonemal heavy chain 5; minus strand). Cytogenetic location: 5p15.2.
Variant type: Indel.
Coding change: c.2568_2569delinsCAGATGTGTATAAGAGACAGT on transcript NM_001369.3 (MANE Select); coding-DNA positions 2568 to 2569, AA replaced by CAGATGTGTATAAGAGACAGT.
Protein change: p.Gln856_Met857delinsHisArgCysValTer.
Molecular consequence: nonsense.
Genome position (GRCh38, 1-based): chr5:13,890,984-13,890,985, TT replaced by ACTGTCTCTTATACACATCTG on the plus strand (AA replaced by CAGATGTGTATAAGAGACAGT on the coding strand, the reverse complement: DNAH5 is on the minus strand). VCF-style: chr5-13890984-TT-ACTGTCTCTTATACACATCTG. GRCh37 (hg19) VCF-style: chr5-13891093-TT-ACTGTCTCTTATACACATCTG.
Identifiers: ClinVar variation 5011124 (VCV005011124.1).
Genomic context (GRCh38, chr5:13,890,984, plus strand): 5'-GGAAAATGAATCACCAAAAACCTTAAACAAAAAAAATCAAGGTTTTAATGACCTTTGTCA[TT>ACTGTCTCTTATACACATCTG]TGGAGAAACTCTTCACAGGTTAGTGGCTCCTCCTGGGGAAGCTGACAAAGAGGCGTGCTG-3'

ClinVar aggregate classification (germline): Pathogenic (1 of 4 stars; one submission).

Conditions:
Primary ciliary dyskinesia 3. Identifiers: Orphanet 244, MedGen C1837618, MONDO:0012085, OMIM 608644.

Submission:

Myriad Genetics, Inc.
Classification: Pathogenic for Primary ciliary dyskinesia 3. Last evaluated: 2024-05-14. Review status: criteria provided, single submitter. Criteria: Myriad Autosomal Dominant, Autosomal Recessive and X-Linked Classification Criteria (2023). Collection method: clinical testing. Allele origin: unknown.
Comment: NM_001369.2(DNAH5):c.2568_2569del2ins21(Q856Hfs*5) is expected to be pathogenic in the context of primary ciliary dyskinesia, DNAH5-related. This variant is predicted to lead to an abnormal or absent protein product due to the creation of a premature termination codon in DNAH5, a gene where loss-of-function variants are known to be pathogenic. Please note: this variant was assessed in the context of healthy population screening.